The following is an entry in ClinVar:

NM_001164508.2(NEB):c.8617C>A (p.Gln2873Lys)

Gene: NEB (nebulin; minus strand). Cytogenetic location: 2q23.3.
Variant type: single nucleotide variant.
Coding change: c.8617C>A on transcript NM_001164508.2 (MANE Select); coding-DNA position 8617, C replaced by A.
Protein change: p.Gln2873Lys; replaces glutamine 2873 with lysine.
Molecular consequence: missense variant.
Genome position (GRCh38, 1-based): chr2:151,640,423, G>T on the plus strand (C>A on the coding strand, the complement: NEB is on the minus strand). VCF-style: chr2-151640423-G-T. GRCh37 (hg19) VCF-style: chr2-152496937-G-T.
Other names: c.8617C>A, p.Gln2873Lys (NM_001164507.2, NM_001271208.2, NM_004543.5); short protein forms Q2873K.
Identifiers: ClinVar variation 2084756 (VCV002084756.1), dbSNP rs2552243891, ClinGen allele CA348809910.
Genomic context (GRCh38, chr2:151,640,423, plus strand): 5'-GGAGGTCATAGGCCTGCCGAGCATGGATGACGTCGCTCTGGTCGGGCAGGCATGTCCACT[G>T]GTGCAGGTAGTTCTTGTAGTCCACATCGCTGACTAAGGTCTGGCACTTCTTGGCCAGCAC-3'
Protein context (NP_001157980.2, residues 2863-2883): SDVDYKNYLH[Gln2873Lys]WTCLPDQSDV

ClinVar aggregate classification (germline): Uncertain significance (1 of 4 stars; one submission).

Conditions:
Nemaline myopathy 2 (NEM2). Also called: Nemaline myopathy 2, autosomal recessive. Identifiers: MedGen C1850569, MONDO:0009725, OMIM 256030.

Submission:

Labcorp Genetics (formerly Invitae), Labcorp
Classification: Uncertain significance for Nemaline myopathy 2. Last evaluated: 2022-01-16. Review status: criteria provided, single submitter. Criteria: Invitae Variant Classification Sherloc (09022015). Collection method: clinical testing. Allele origin: germline.
Comment: This sequence change replaces glutamine, which is neutral and polar, with lysine, which is basic and polar, at codon 2873 of the NEB protein (p.Gln2873Lys). This variant is not present in population databases (gnomAD no frequency). This variant has not been reported in the literature in individuals affected with NEB-related conditions. Algorithms developed to predict the effect of missense changes on protein structure and function are either unavailable or do not agree on the potential impact of this missense change (SIFT: "Deleterious"; PolyPhen-2: "Not Available"; Align-GVGD: "Class C0"). In summary, the available evidence is currently insufficient to determine the role of this variant in disease. Therefore, it has been classified as a Variant of Uncertain Significance.